The following is an entry in ClinVar:

ClinVar aggregate classification (germline): Uncertain significance (1 of 4 stars; one submission).

Conditions:
FG syndrome (FGS). Identifiers: MedGen C0220769, MONDO:0002010.

Submission:

Labcorp Genetics (formerly Invitae), Labcorp
Classification: Uncertain significance for FG syndrome. Last evaluated: 2022-02-21. Review status: criteria provided, single submitter. Criteria: Invitae Variant Classification Sherloc (09022015). Collection method: clinical testing. Allele origin: germline.
Comment: In summary, the available evidence is currently insufficient to determine the role of this variant in disease. Therefore, it has been classified as a Variant of Uncertain Significance. Experimental studies and prediction algorithms are not available or were not evaluated, and the functional significance of this variant is currently unknown. This variant has not been reported in the literature in individuals affected with MED12-related conditions. This variant is not present in population databases (gnomAD no frequency). This variant, c.6168_6197del, results in the deletion of 10 amino acid(s) of the MED12 protein (p.Gln2067_Gln2076del), but otherwise preserves the integrity of the reading frame.

NM_005120.3(MED12):c.6168_6197del (p.Gln2067_Gln2076del)

Gene: MED12 (mediator complex subunit 12; plus strand). Cytogenetic location: Xq13.1.
Variant type: Deletion.
Coding change: c.6168_6197del on transcript NM_005120.3 (MANE Select); coding-DNA positions 6168 to 6197, 30 bases deleted (ACAGCAGCAACAGCAACAGCAGCAGCAGCA).
Protein change: p.Gln2067_Gln2076del.
Molecular consequence: inframe deletion.
Genome position (GRCh38, 1-based): chrX:71,140,758-71,140,787, ACAGCAGCAACAGCAACAGCAGCAGCAGCA deleted; deleting any 30 consecutive bases within chrX:71,140,744-71,140,787 gives the same sequence; the c. name uses the placement nearest the transcript's 3' end. VCF-style (leftmost placement, unchanged base first): chrX-71140743-GCAGCAGCAGCAGCAACAGCAGCAACAGCAA-G. GRCh37 (hg19) VCF-style: chrX-70360593-GCAGCAGCAGCAGCAACAGCAGCAACAGCAA-G.
Identifiers: ClinVar variation 1936977 (VCV001936977.5), dbSNP rs2092344958, ClinGen allele CA1134078756.